The following is an entry in ClinVar:

ClinVar aggregate classification (germline): Uncertain significance. Review status: criteria provided, multiple submitters, no conflicts (2 of 4 stars). 2 submissions from 2 submitters: Uncertain significance (2). Last evaluated 2025-05-05.

Conditions:
Inborn genetic diseases. Identifiers: MedGen C0950123, MeSH D030342.

Allele frequency attached by ClinVar (database versions not stated): gnomAD 0.00001 and 0.00002; gnomAD exomes 0.00001; TOPMed 0.00003.
gnomAD v4.1: 6 of 1,614,080 alleles (0.00037%); highest among the groups gnomAD compares: African/African-American, 0.004%; no homozygotes.

Submissions (2):

Ambry Genetics
Classification: Uncertain significance for Inborn genetic diseases. Last evaluated: 2025-05-05. Review status: criteria provided, single submitter. Criteria: Ambry Variant Classification Scheme 2023. Collection method: clinical testing. Allele origin: germline.

Labcorp Genetics (formerly Invitae), Labcorp
Classification: Uncertain significance. Last evaluated: 2021-08-05. Review status: criteria provided, single submitter. Criteria: Invitae Variant Classification Sherloc (09022015). Collection method: clinical testing. Allele origin: germline.
Comment: In summary, the available evidence is currently insufficient to determine the role of this variant in disease. Therefore, it has been classified as a Variant of Uncertain Significance. Algorithms developed to predict the effect of missense changes on protein structure and function (SIFT, PolyPhen-2, Align-GVGD) all suggest that this variant is likely to be tolerated. This variant has not been reported in the literature in individuals affected with LRP6-related conditions. This variant is not present in population databases (ExAC no frequency). This sequence change replaces glutamic acid with aspartic acid at codon 1290 of the LRP6 protein (p.Glu1290Asp). The glutamic acid residue is highly conserved and there is a small physicochemical difference between glutamic acid and aspartic acid.

NM_002336.3(LRP6):c.3870G>T (p.Glu1290Asp)

Gene: LRP6 (LDL receptor related protein 6; minus strand). Cytogenetic location: 12p13.2.
Variant type: single nucleotide variant.
Coding change: c.3870G>T on transcript NM_002336.3 (MANE Select); coding-DNA position 3870, G replaced by T.
Protein change: p.Glu1290Asp; replaces glutamic acid 1290 with aspartic acid.
Molecular consequence: missense variant.
Genome position (GRCh38, 1-based): chr12:12,131,921, C>A on the plus strand (G>T on the coding strand, the complement: LRP6 is on the minus strand). VCF-style: chr12-12131921-C-A. GRCh37 (hg19) VCF-style: chr12-12284855-C-A.
Other names: c.3870G>T (NM_002336.2); short protein forms E1290D.
Identifiers: ClinVar variation 1394644 (VCV001394644.7), dbSNP rs1034145234, ClinGen allele CA232997894.